The following is an entry in ClinVar:

ClinVar aggregate classification (germline): Uncertain significance. Review status: criteria provided, multiple submitters, no conflicts (2 of 4 stars). 2 submissions from 2 submitters: Uncertain significance (2). Last evaluated 2023-04-03.

Conditions:
Inborn genetic diseases. Identifiers: MedGen C0950123, MeSH D030342.
Autosomal recessive severe congenital neutropenia due to CSF3R deficiency. Also called: Neutropenia, severe congenital, 7, autosomal recessive. Identifiers: Orphanet 420702, MedGen C4310764, MONDO:0014865, OMIM 617014.

Allele frequency attached by ClinVar (database versions not stated): ExAC 0.00002; gnomAD 0.00004; TOPMed 0.00005.
gnomAD v4.1: 10 of 1,614,100 alleles (0.00062%); highest among the groups gnomAD compares: African/African-American, 0.013%; no homozygotes.

Submissions (2):

Labcorp Genetics (formerly Invitae), Labcorp
Classification: Uncertain significance for Autosomal recessive severe congenital neutropenia due to CSF3R deficiency. Last evaluated: 2023-04-03. Review status: criteria provided, single submitter. Criteria: Invitae Variant Classification Sherloc (09022015). Collection method: clinical testing. Allele origin: germline.
Comment: This sequence change replaces cysteine, which is neutral and slightly polar, with glycine, which is neutral and non-polar, at codon 187 of the CSF3R protein (p.Cys187Gly). This variant is present in population databases (rs778672373, gnomAD 0.02%). This variant has not been reported in the literature in individuals affected with CSF3R-related conditions. Advanced modeling of protein sequence and biophysical properties (such as structural, functional, and spatial information, amino acid conservation, physicochemical variation, residue mobility, and thermodynamic stability) performed at Invitae indicates that this missense variant is not expected to disrupt CSF3R protein function. In summary, the available evidence is currently insufficient to determine the role of this variant in disease. Therefore, it has been classified as a Variant of Uncertain Significance.

Ambry Genetics
Classification: Uncertain significance for Inborn genetic diseases. Last evaluated: 2023-01-23. Review status: criteria provided, single submitter. Criteria: Ambry Variant Classification Scheme 2023. Collection method: clinical testing. Allele origin: germline.

NM_000760.4(CSF3R):c.559T>G (p.Cys187Gly)

Gene: CSF3R (colony stimulating factor 3 receptor; minus strand). Cytogenetic location: 1p34.3.
Variant type: single nucleotide variant.
Coding change: c.559T>G on transcript NM_000760.4 (MANE Select); coding-DNA position 559, T replaced by G.
Protein change: p.Cys187Gly; replaces cysteine 187 with glycine.
Molecular consequence: missense variant.
Genome position (GRCh38, 1-based): chr1:36,473,549, A>C on the plus strand (T>G on the coding strand, the complement: CSF3R is on the minus strand). VCF-style: chr1-36473549-A-C. GRCh37 (hg19) VCF-style: chr1-36939150-A-C.
Other names: c.559T>G, p.Cys187Gly (NM_156039.3, NM_172313.3); short protein forms C187G.
Identifiers: ClinVar variation 2470046 (VCV002470046.5), dbSNP rs778672373, ClinGen allele CA769434.